The following is an entry in ClinVar:

NM_001042492.3(NF1):c.6052A>C (p.Ser2018Arg)

Gene: NF1 (neurofibromin 1; plus strand). Cytogenetic location: 17q11.2.
Variant type: single nucleotide variant.
Coding change: c.6052A>C on transcript NM_001042492.3 (MANE Select); coding-DNA position 6052, A replaced by C.
Protein change: p.Ser2018Arg; replaces serine 2018 with arginine.
Molecular consequence: missense variant.
Genome position (GRCh38, 1-based): chr17:31,336,378, A>C. VCF-style: chr17-31336378-A-C. GRCh37 (hg19) VCF-style: chr17-29663396-A-C.
Other names: c.5989A>C, p.Ser1997Arg (NM_000267.4); short protein forms S1997R, S2018R.
Identifiers: ClinVar variation 1048699 (VCV001048699.5), dbSNP rs2151553286, ClinGen allele CA399011108.

ClinVar aggregate classification (germline): Conflicting classifications of pathogenicity. Review status: criteria provided, conflicting classifications (1 of 4 stars). 3 submissions from 3 submitters: Pathogenic (1); Uncertain significance (1). 1 of the submissions does not count toward it. Last evaluated 2024-04-06.

Conditions:
Cardiovascular phenotype. Identifiers: MedGen CN230736.
Hereditary cancer-predisposing syndrome. Also called: Hereditary Cancer Syndrome; Tumor predisposition; Hereditary neoplastic syndrome; Neoplastic Syndromes, Hereditary. Identifiers: Orphanet 140162, MedGen C0027672, MeSH D009386, MONDO:0015356.
Neurofibromatosis, type 1 (NF1). Also called: Peripheral type neurofibromatosis; Neurofibromatosis, type I; VON RECKLINGHAUSEN DISEASE; NEUROFIBROMATOSIS, TYPE I, SOMATIC. Identifiers: Orphanet 636, MedGen C0027831, MONDO:0018975, OMIM 162200. Disease mechanism: loss of function.

Submissions (3):

Labcorp Genetics (formerly Invitae), Labcorp
Classification: Pathogenic for Neurofibromatosis, type 1. Last evaluated: 2024-04-06. Review status: criteria provided, single submitter. Criteria: Invitae Variant Classification Sherloc (09022015). Collection method: clinical testing. Allele origin: germline.
Comment: This sequence change replaces serine, which is neutral and polar, with arginine, which is basic and polar, at codon 1997 of the NF1 protein (p.Ser1997Arg). This variant is not present in population databases (gnomAD no frequency). This missense change has been observed in individual(s) with neurofibromatosis type I (PMID: 30308447, 32575496, 34694046). In at least one individual the variant was observed to be de novo. This variant is also known as p.Ser2018Arg. ClinVar contains an entry for this variant (Variation ID: 1048699). Advanced modeling of protein sequence and biophysical properties (such as structural, functional, and spatial information, amino acid conservation, physicochemical variation, residue mobility, and thermodynamic stability) performed at Invitae indicates that this missense variant is expected to disrupt NF1 protein function with a positive predictive value of 95%. Experimental studies have shown that this missense change affects NF1 function (PMID: 34694046). This variant disrupts the p.Ser1997 amino acid residue in NF1. Other variant(s) that disrupt this residue have been determined to be pathogenic (Invitae). This suggests that this residue is clinically significant, and that variants that disrupt this residue are likely to be disease-causing. For these reasons, this variant has been classified as Pathogenic.

Ambry Genetics
Classification: Uncertain significance for Cardiovascular phenotype; Hereditary cancer-predisposing syndrome. Last evaluated: 2022-05-25. Review status: criteria provided, single submitter. Criteria: Ambry Variant Classification Scheme 2023. Collection method: clinical testing. Allele origin: germline.
Comment: The p.S1997R variant (also known as c.5989A>C), located in coding exon 40 of the NF1 gene, results from an A to C substitution at nucleotide position 5989. The serine at codon 1997 is replaced by arginine, an amino acid with dissimilar properties. This amino acid position is highly conserved in available vertebrate species. In addition, this alteration is predicted to be deleterious by in silico analysis. Since supporting evidence is limited at this time, the clinical significance of this alteration remains unclear.

Laboratory of Medical Genetics, National & Kapodistrian University of Athens
Classification: Likely pathogenic for Neurofibromatosis, type 1. Last evaluated: 2019-01-01. Review status: no assertion criteria provided. Collection method: clinical testing. Allele origin: germline. Affected: yes. Not counted in ClinVar's aggregate classification.

Literature cited by the submitters: PubMed 30308447 (cited by Labcorp Genetics (formerly Invitae), Labcorp); PubMed 32575496 (cited by Labcorp Genetics (formerly Invitae), Labcorp); PubMed 34694046 (cited by Labcorp Genetics (formerly Invitae), Labcorp).